The following is an entry in ClinVar:

ClinVar aggregate classification (germline): Uncertain significance (1 of 4 stars; one submission).

Conditions:
Aicardi-Goutieres syndrome 4. Identifiers: Orphanet 51, MedGen C1835912, MONDO:0012472, OMIM 610333.

Submission:

Labcorp Genetics (formerly Invitae), Labcorp
Classification: Uncertain significance for Aicardi-Goutieres syndrome 4. Last evaluated: 2022-06-10. Review status: criteria provided, single submitter. Criteria: Invitae Variant Classification Sherloc (09022015). Collection method: clinical testing. Allele origin: germline.
Comment: In summary, the available evidence is currently insufficient to determine the role of this variant in disease. Therefore, it has been classified as a Variant of Uncertain Significance. Algorithms developed to predict the effect of missense changes on protein structure and function (SIFT, PolyPhen-2, Align-GVGD) all suggest that this variant is likely to be tolerated. This sequence change replaces arginine, which is basic and polar, with serine, which is neutral and polar, at codon 280 of the RNASEH2A protein (p.Arg280Ser). This variant is not present in population databases (gnomAD no frequency). This variant has not been reported in the literature in individuals affected with RNASEH2A-related conditions.

NM_006397.3(RNASEH2A):c.838C>A (p.Arg280Ser)

Gene: RNASEH2A (ribonuclease H2 subunit A; plus strand). Cytogenetic location: 19p13.13.
Variant type: single nucleotide variant.
Coding change: c.838C>A on transcript NM_006397.3 (MANE Select); coding-DNA position 838, C replaced by A.
Protein change: p.Arg280Ser; replaces arginine 280 with serine.
Molecular consequence: missense variant.
Genome position (GRCh38, 1-based): chr19:12,813,404, C>A. VCF-style: chr19-12813404-C-A. GRCh37 (hg19) VCF-style: chr19-12924218-C-A.
Other names: short protein forms R280S.
Identifiers: ClinVar variation 2004357 (VCV002004357.3), dbSNP rs375883546, ClinGen allele CA305493985.